The following is an entry in ClinVar:

Conditions:
Breast-ovarian cancer, familial, susceptibility to, 1 (BROVCA1). Also called: BRCA1 Hereditary Breast and Ovarian Cancer; OVARIAN CANCER, SUSCEPTIBILITY TO. Identifiers: Orphanet 145, MedGen C2676676, MONDO:0011450, OMIM 604370. Disease mechanism: loss of function.

Submission:

Brotman Baty Institute, University of Washington
No classification provided (evidence only). Condition: Breast-ovarian cancer, familial 1. Review status: no classification provided. Collection method: in vitro. Allele origin: not applicable. Functional consequence: functionally_normal.
ClinVar note: "not provided" was previously submitted as the classification for the variant. However, the classification appeared to be based only on an observation of functional data so it was converted to no classification on 2025-07-30.

NM_007294.4(BRCA1):c.5115A>T (p.Leu1705=)

Gene: BRCA1 (BRCA1 DNA repair associated; minus strand). Cytogenetic location: 17q21.31.
Variant type: single nucleotide variant.
Coding change: c.5115A>T on transcript NM_007294.4 (MANE Select); coding-DNA position 5115, A replaced by T.
Protein change: p.Leu1705=; no amino-acid change (leucine 1705 retained).
Molecular consequence: synonymous variant. On other transcripts: intron variant (2).
Genome position (GRCh38, 1-based): chr17:43,063,911, T>A on the plus strand (A>T on the coding strand, the complement: BRCA1 is on the minus strand). VCF-style: chr17-43063911-T-A. GRCh37 (hg19) VCF-style: chr17-41215928-T-A.
Other names: c.5109A>T, p.Leu1703= (NM_001407636.1, NM_001407637.1, NM_001407638.1 and 14 more transcripts); c.5106A>T, p.Leu1702= (NM_001407644.1, NM_001407645.1); c.5103A>T, p.Leu1701= (NM_001407646.1); c.5100A>T, p.Leu1700= (NM_001407647.1); c.5058A>T, p.Leu1686= (NM_001407648.1); c.5055A>T, p.Leu1685= (NM_001407649.1); c.5037A>T, p.Leu1679= (NM_001407653.1, NM_001407654.1, NM_001407655.1); c.5034A>T, p.Leu1678= (NM_001407656.1, NM_001407657.1, NM_001407658.1); and 73 more.
Identifiers: ClinVar variation 868671 (VCV000868671.3), dbSNP rs772885662, ClinGen allele CA500146194.